The following is an entry in ClinVar:

NM_015631.6(TCTN3):c.393G>C (p.Trp131Cys)

Gene: TCTN3 (tectonic family member 3; minus strand). Cytogenetic location: 10q24.1.
Variant type: single nucleotide variant.
Coding change: c.393G>C on transcript NM_015631.6 (MANE Select); coding-DNA position 393, G replaced by C.
Protein change: p.Trp131Cys; replaces tryptophan 131 with cysteine.
Molecular consequence: missense variant.
Genome position (GRCh38, 1-based): chr10:95,693,026, C>G on the plus strand (G>C on the coding strand, the complement: TCTN3 is on the minus strand). VCF-style: chr10-95693026-C-G. GRCh37 (hg19) VCF-style: chr10-97452783-C-G.
Other names: c.447G>C, p.Trp149Cys (NM_001013840.1); c.393G>C, p.Trp131Cys (NM_001143973.2, NM_001410982.1); short protein forms W131C, W149C.
Identifiers: ClinVar variation 2176964 (VCV002176964.1), dbSNP rs1034323869, ClinGen allele CA211808071.
Genomic context (GRCh38, chr10:95,693,026, plus strand): 5'-GAAAACTCTTGAAGGAAACGGGGAATTACTCCTGAAGATAACAGAGTTGTCTACACAAAC[C>G]CAGCTTGAAGACCTGTGAGGAAAGAGGAGGGAGAAGATATATTTAGAAGGGGCGGGGCAG-3'
Protein context (NP_056446.4, residues 121-141): CLPGSVRSSS[Trp131Cys]VCVDNSVIFR

ClinVar aggregate classification (germline): Uncertain significance (1 of 4 stars; one submission).

Conditions:
Joubert syndrome 18 (JBTS18). Identifiers: Orphanet 2754, MedGen C3553758, MONDO:0013896, OMIM 614815.
Orofacial-digital syndrome IV (OFD4). Also called: BARAITSER-BURN SYNDROME; OFD SYNDROME WITH TIBIAL DEFECTS; OFD SYNDROME, BARAITSER-BURN TYPE; OFDS IV; ORAL-FACIAL-DIGITAL SYNDROME, TYPE IV; Orofaciodigital syndrome IV. Identifiers: Orphanet 2753, MedGen C0406727, MONDO:0009794, OMIM 258860.

Allele frequency attached by ClinVar (database versions not stated): TOPMed below 0.00001.

Submission:

Labcorp Genetics (formerly Invitae), Labcorp
Classification: Uncertain significance for Joubert syndrome 18; Orofacial-digital syndrome IV. Last evaluated: 2022-03-19. Review status: criteria provided, single submitter. Criteria: Invitae Variant Classification Sherloc (09022015). Collection method: clinical testing. Allele origin: germline.
Comment: This sequence change replaces tryptophan, which is neutral and slightly polar, with cysteine, which is neutral and slightly polar, at codon 131 of the TCTN3 protein (p.Trp131Cys). This variant is present in population databases (no rsID available, gnomAD 0.003%). This variant has not been reported in the literature in individuals affected with TCTN3-related conditions. Algorithms developed to predict the effect of missense changes on protein structure and function are either unavailable or do not agree on the potential impact of this missense change (SIFT: "Deleterious"; PolyPhen-2: "Probably Damaging"; Align-GVGD: "Class C0"). In summary, the available evidence is currently insufficient to determine the role of this variant in disease. Therefore, it has been classified as a Variant of Uncertain Significance.